The following is an entry in ClinVar:

ClinVar aggregate classification (germline): Pathogenic (1 of 4 stars; one submission).

Conditions:
Charcot-Marie-Tooth disease type 2. Also called: Charcot-Marie-Tooth type 2. Identifiers: Orphanet 64746, MedGen C0270914, MONDO:0018993.

Submission:

Labcorp Genetics (formerly Invitae), Labcorp
Classification: Pathogenic for Charcot-Marie-Tooth disease type 2. Last evaluated: 2025-02-19. Review status: criteria provided, single submitter. Criteria: Invitae Variant Classification Sherloc (09022015). Collection method: clinical testing. Allele origin: germline.
Comment: This sequence change results in a frameshift in the LMNA gene (p.Tyr626Leufs*78). While this is not anticipated to result in nonsense mediated decay, it is expected to disrupt the last 39 amino acid(s) of the LMNA protein and extend the protein by 38 additional amino acid residues. This variant is not present in population databases (gnomAD no frequency). This variant has not been reported in the literature in individuals affected with LMNA-related conditions. Algorithms developed to predict the effect of sequence changes on RNA splicing suggest that this variant may create or strengthen a splice site. This variant results in an extension of the LMNA protein. Other variant(s) that result in a similarly extended protein product (p.Thr655Asnfs*49) have been determined to be pathogenic (PMID: 17711925, 25163546, 25819867). This suggests that these extensions are likely to be disease-causing. For these reasons, this variant has been classified as Pathogenic.

Literature cited by the submitters: PubMed 17711925; PubMed 25163546; PubMed 25819867.

NM_170707.4(LMNA):c.1876dup (p.Tyr626fs)

Gene: LMNA (lamin A/C; plus strand). Cytogenetic location: 1q22.
Variant type: Duplication.
Coding change: c.1876dup on transcript NM_170707.4 (MANE Select); coding-DNA position 1876, one base duplicated (T; older notation c.1876dupT).
Protein change: p.Tyr626fs; shifts the reading frame from tyrosine 626.
Molecular consequence: frameshift variant. On other transcripts: intron variant (1).
Genome position (GRCh38, 1-based): chr1:156,138,665, T duplicated. VCF-style (leftmost placement, unchanged base first): chr1-156138664-C-CT. GRCh37 (hg19) VCF-style: chr1-156108455-C-CT.
Other names: c.1540dup, p.Tyr514fs (NM_001257374.3, NM_001406989.1); c.1876dup, p.Tyr626fs (NM_001406983.1, NM_001406985.1, NM_001406991.1); c.1633dup, p.Tyr545fs (NM_001406986.1, NM_001406987.1); c.1579dup, p.Tyr527fs (NM_001406988.1); c.1786dup, p.Tyr596fs (NM_170708.4); c.1818+58dup (NM_001282626.2); c.1318dup, p.Tyr440fs (NM_001406990.1, NM_001406993.1, NM_001406995.1 and 2 more transcripts); c.1252dup, p.Tyr418fs (NM_001406994.1, NM_001406999.1, NM_001407000.1 and 1 more transcripts); short protein forms Y545fs, Y527fs, Y596fs, Y418fs, Y440fs, Y514fs, Y626fs.
Identifiers: ClinVar variation 3651215 (VCV003651215.2).
Genomic context (GRCh38, chr1:156,138,664, plus strand): 5'-CCAGGTGGGCGGACCCATCTCCTCTGGCTCTTCTGCCTCCAGTGTCACGGTCACTCGCAG[C>CT]TACCGCAGTGTGGGGGGCAGTGGGGGTGGCAGCTTCGGGGACAATCTGGTCACCCGCTCC-3'